The following is an entry in ClinVar:

ClinVar aggregate classification (germline): Uncertain significance. Review status: criteria provided, multiple submitters, no conflicts (2 of 4 stars). 2 submissions from 2 submitters: Uncertain significance (2). Last evaluated 2025-08-21.

Allele frequency attached by ClinVar (database versions not stated): gnomAD exomes below 0.00001.
gnomAD v4.1: 2 of 1,613,762 alleles (0.00012%); highest among the groups gnomAD compares: East Asian, 0.0045%; no homozygotes.

Submissions (2):

Labcorp Genetics (formerly Invitae), Labcorp
Classification: Uncertain significance. Last evaluated: 2025-08-21. Review status: criteria provided, single submitter. Criteria: Invitae Variant Classification Sherloc (09022015). Collection method: clinical testing. Allele origin: germline.
Comment: This sequence change replaces serine, which is neutral and polar, with leucine, which is neutral and non-polar, at codon 849 of the TOPORS protein (p.Ser849Leu). This variant is not present in population databases (gnomAD no frequency). This variant has not been reported in the literature in individuals affected with TOPORS-related conditions. ClinVar contains an entry for this variant (Variation ID: 2799171). Experimental studies and prediction algorithms are not available or were not evaluated, and the functional significance of this variant is currently unknown. In summary, the available evidence is currently insufficient to determine the role of this variant in disease. Therefore, it has been classified as a Variant of Uncertain Significance.

Blueprint Genetics
Classification: Uncertain significance. Last evaluated: 2021-05-26. Review status: criteria provided, single submitter. Criteria: ACMG Guidelines, 2015. Collection method: clinical testing. Allele origin: germline.

NM_005802.5(TOPORS):c.2546C>T (p.Ser849Leu)

Gene: TOPORS (TOP1 binding arginine/serine rich protein, E3 ubiquitin ligase; minus strand). Cytogenetic location: 9p21.1.
Variant type: single nucleotide variant.
Coding change: c.2546C>T on transcript NM_005802.5 (MANE Select); coding-DNA position 2546, C replaced by T.
Protein change: p.Ser849Leu; replaces serine 849 with leucine.
Molecular consequence: missense variant.
Genome position (GRCh38, 1-based): chr9:32,541,979, G>A on the plus strand (C>T on the coding strand, the complement: TOPORS is on the minus strand). VCF-style: chr9-32541979-G-A. GRCh37 (hg19) VCF-style: chr9-32541977-G-A.
Other names: c.2351C>T, p.Ser784Leu (NM_001195622.2); short protein forms S849L, S784L.
Identifiers: ClinVar variation 2799171 (VCV002799171.4), dbSNP rs1821070313, ClinGen allele CA373162774.